The following is an entry in ClinVar:

NM_014363.6(SACS):c.3328dup (p.Ile1110fs)

Gene: SACS (sacsin molecular chaperone; minus strand). Cytogenetic location: 13q12.12.
Variant type: Duplication.
Coding change: c.3328dup on transcript NM_014363.6 (MANE Select); coding-DNA position 3328, one base duplicated (A; older notation c.3328dupA).
Protein change: p.Ile1110fs; shifts the reading frame from isoleucine 1110.
Molecular consequence: frameshift variant.
Genome position (GRCh38, 1-based): chr13:23,340,548, T duplicated on the plus strand (A on the coding strand, the reverse complement: SACS is on the minus strand); the first of 8 consecutive T bases (chr13:23,340,548-23,340,555); duplicating any one gives the same sequence. VCF-style (leftmost placement, unchanged base first): chr13-23340547-A-AT. GRCh37 (hg19) VCF-style: chr13-23914686-A-AT.
Other names: c.2887dup, p.Ile963fs (NM_001278055.2); short protein forms I1110fs, I963fs.
Identifiers: ClinVar variation 189157 (VCV000189157.14), dbSNP rs770866403, ClinGen allele CA274434.

ClinVar aggregate classification (germline): Pathogenic/Likely pathogenic. Review status: criteria provided, multiple submitters, no conflicts (2 of 4 stars). 6 submissions from 6 submitters: Pathogenic (3); Likely pathogenic (1). 2 of the submissions do not count toward it. Last evaluated 2025-10-01.

Conditions:
SACS-related disorder. Also called: SACS-related condition.
Spastic paraplegia. Identifiers: MedGen C0037772, HP:0001258.
Charlevoix-Saguenay spastic ataxia (SACS). Also called: SPASTIC ATAXIA 6, AUTOSOMAL RECESSIVE; AUTOSOMAL RECESSIVE SPASTIC ATAXIA OF CHARLEVOIX-SAGUENAY; Spastic ataxia of Charlevoix-Saguenay. Identifiers: Orphanet 98, MedGen C1849140, MONDO:0010041, OMIM 270550.

Submissions (6):

Labcorp Genetics (formerly Invitae), Labcorp
Classification: Pathogenic for Spastic paraplegia. Last evaluated: 2025-10-01. Review status: criteria provided, single submitter. Criteria: Invitae Variant Classification Sherloc (09022015). Collection method: clinical testing. Allele origin: germline.
Comment: This sequence change creates a premature translational stop signal (p.Ile1110Asnfs*2) in the SACS gene. While this is not anticipated to result in nonsense mediated decay, it is expected to disrupt the last 3470 amino acid(s) of the SACS protein. The frequency data for this variant in the population databases is considered unreliable, as metrics indicate poor data quality at this position in the gnomAD database. This premature translational stop signal has been observed in individual(s) with autosomal recessive cerebellar ataxia (PMID: 12873855). It has also been observed to segregate with disease in related individuals. This variant is also known as 1155insA. ClinVar contains an entry for this variant (Variation ID: 189157). For these reasons, this variant has been classified as Pathogenic.

Fulgent Genetics
Classification: Likely pathogenic for Charlevoix-Saguenay spastic ataxia. Last evaluated: 2024-03-28. Review status: criteria provided, single submitter. Criteria: ACMG Guidelines, 2015. Collection method: clinical testing. Allele origin: germline.

Baylor Genetics
Classification: Pathogenic for Charlevoix-Saguenay spastic ataxia. Last evaluated: 2023-10-05. Review status: criteria provided, single submitter. Criteria: ACMG Guidelines, 2015. Collection method: clinical testing. Allele origin: unknown.

Blueprint Genetics
Classification: Pathogenic for SACS-related disorders. Last evaluated: 2021-04-21. Review status: criteria provided, single submitter. Criteria: ACMG Guidelines, 2015. Collection method: clinical testing. Allele origin: germline. Affected: yes. Observed: 1 variant allele.

Counsyl
Classification: Likely pathogenic for Spastic ataxia Charlevoix-Saguenay type. Last evaluated: 2015-01-27. Review status: no assertion criteria provided. Collection method: literature only. Allele origin: unknown. Inheritance: Autosomal recessive inheritance. Not counted in ClinVar's aggregate classification.

OMIM
Classification: Pathogenic for SPASTIC ATAXIA, CHARLEVOIX-SAGUENAY TYPE. Last evaluated: 2003-07-01. Review status: no assertion criteria provided. Collection method: literature only. Allele origin: germline. Not counted in ClinVar's aggregate classification.

Literature cited by the submitters: PubMed 12873855 (cited by 3 submitters).